The following is an entry in ClinVar:

ClinVar aggregate classification (germline): Conflicting classifications of pathogenicity. Review status: criteria provided, conflicting classifications (1 of 4 stars). 2 submissions from 2 submitters: Uncertain significance (1); Likely benign (1). Last evaluated 2023-11-24.

Conditions:
Hereditary cancer-predisposing syndrome. Also called: Tumor predisposition; Neoplastic Syndromes, Hereditary; Hereditary neoplastic syndrome; Hereditary Cancer Syndrome. Identifiers: Orphanet 140162, MedGen C0027672, MeSH D009386, MONDO:0015356.
Hereditary breast ovarian cancer syndrome. Also called: Hereditary breast and/or ovarian cancer syndrome; Breast and ovarian cancer; Hereditary breast and ovarian cancer; BRCA1- and BRCA2-Associated Hereditary Breast and Ovarian Cancer; Hereditary breast and ovarian cancer syndrome; Hereditary breast and ovarian cancer syndrome (HBOC). Identifiers: Orphanet 145, MedGen C0677776, MeSH D061325, MONDO:0003582. Disease mechanism: loss of function.

Submissions (2):

Labcorp Genetics (formerly Invitae), Labcorp
Classification: Uncertain significance for Hereditary breast ovarian cancer syndrome. Last evaluated: 2023-11-24. Review status: criteria provided, single submitter. Criteria: Invitae Variant Classification Sherloc (09022015). Collection method: clinical testing. Allele origin: germline.
Comment: This sequence change replaces lysine, which is basic and polar, with asparagine, which is neutral and polar, at codon 1735 of the BRCA2 protein (p.Lys1735Asn). This variant is not present in population databases (gnomAD no frequency). This variant has not been reported in the literature in individuals affected with BRCA2-related conditions. ClinVar contains an entry for this variant (Variation ID: 1513207). Advanced modeling of protein sequence and biophysical properties (such as structural, functional, and spatial information, amino acid conservation, physicochemical variation, residue mobility, and thermodynamic stability) performed at Invitae indicates that this missense variant is not expected to disrupt BRCA2 protein function with a negative predictive value of 95%. In summary, the available evidence is currently insufficient to determine the role of this variant in disease. Therefore, it has been classified as a Variant of Uncertain Significance.

University of Washington Department of Laboratory Medicine, University of Washington
Classification: Likely benign for Hereditary cancer-predisposing syndrome. Last evaluated: 2023-03-23. Review status: criteria provided, single submitter. Criteria: Dines et al. (Genet Med. 2020). Collection method: curation. Allele origin: germline.
Comment: Missense variant in a coldspot region where missense variants are very unlikely to be pathogenic (PMID:31911673).

BRCA2 exon 11 coldspot. Reclassification based on statistical prior probability.

NM_000059.4(BRCA2):c.5205A>T (p.Lys1735Asn)

Gene: BRCA2 (BRCA2 DNA repair associated; plus strand). Cytogenetic location: 13q13.1.
Variant type: single nucleotide variant.
Coding change: c.5205A>T on transcript NM_000059.4 (MANE Select); coding-DNA position 5205, A replaced by T.
Protein change: p.Lys1735Asn; replaces lysine 1735 with asparagine.
Molecular consequence: missense variant.
Genome position (GRCh38, 1-based): chr13:32,339,560, A>T. VCF-style: chr13-32339560-A-T. GRCh37 (hg19) VCF-style: chr13-32913697-A-T.
Other names: short protein forms K1735N.
Identifiers: ClinVar variation 1513207 (VCV001513207.9), dbSNP rs1131692115, ClinGen allele CA387784603.